The following is an entry in ClinVar:

ClinVar aggregate classification (germline): Uncertain significance (1 of 4 stars; one submission).

Submission:

GeneDx
Classification: Uncertain significance. Last evaluated: 2026-03-18. Review status: criteria provided, single submitter. Criteria: GeneDx Variant Classification Process June 2021. Collection method: clinical testing. Allele origin: germline.
Comment: Not observed at significant frequency in large population cohorts (gnomAD); In silico analysis supports that this missense variant has a deleterious effect on protein structure/function; Has not been previously published as pathogenic or benign to our knowledge

NM_002804.5(PSMC3):c.556A>G (p.Ser186Gly)

Gene: PSMC3 (proteasome 26S subunit, ATPase 3; minus strand). Cytogenetic location: 11p11.2.
Variant type: single nucleotide variant.
Coding change: c.556A>G on transcript NM_002804.5 (MANE Select); coding-DNA position 556, A replaced by G.
Protein change: p.Ser186Gly; replaces serine 186 with glycine.
Molecular consequence: missense variant.
Genome position (GRCh38, 1-based): chr11:47,424,081, T>C on the plus strand (A>G on the coding strand, the complement: PSMC3 is on the minus strand). VCF-style: chr11-47424081-T-C. GRCh37 (hg19) VCF-style: chr11-47445632-T-C.
Other names: short protein forms S186G.
Identifiers: ClinVar variation 5009371 (VCV005009371.1).